The following is an entry in ClinVar:

ClinVar aggregate classification (germline): Uncertain significance (1 of 4 stars; one submission).

Submission:

GeneDx
Classification: Uncertain significance. Last evaluated: 2019-10-30. Review status: criteria provided, single submitter. Criteria: GeneDx Variant Classification Process June 2021. Collection method: clinical testing. Allele origin: germline. Affected: yes.
Comment: Not observed in large population cohorts (Lek et al., 2016); In silico analysis, which includes protein predictors and evolutionary conservation, supports that this variant does not alter protein structure/function; Has not been previously published as pathogenic or benign to our knowledge

NM_001378964.1(CDON):c.3554C>A (p.Thr1185Asn)

Gene: CDON (cell adhesion associated, oncogene regulated; minus strand). Cytogenetic location: 11q24.2.
Variant type: single nucleotide variant.
Coding change: c.3554C>A on transcript NM_001378964.1 (MANE Select); coding-DNA position 3554, C replaced by A.
Protein change: p.Thr1185Asn; replaces threonine 1185 with asparagine.
Molecular consequence: missense variant.
Genome position (GRCh38, 1-based): chr11:125,961,801, G>T on the plus strand (C>A on the coding strand, the complement: CDON is on the minus strand). VCF-style: chr11-125961801-G-T. GRCh37 (hg19) VCF-style: chr11-125831696-G-T.
Other names: c.3554C>A, p.Thr1185Asn (NM_001243597.3, NM_016952.6); short protein forms T1185N.
Identifiers: ClinVar variation 1309875 (VCV001309875.2), dbSNP rs2134338858, ClinGen allele CA383213254.